The following is an entry in ClinVar:

ClinVar aggregate classification (germline): Uncertain significance (1 of 4 stars; one submission).

Conditions:
Androgen resistance syndrome (AIS). Also called: Androgen insensitivity syndrome; Androgen insensitivity syndrome due to coactivator deficiency; DHTR DEFICIENCY; ANDROGEN RECEPTOR DEFICIENCY; DIHYDROTESTOSTERONE RECEPTOR DEFICIENCY; Androgen insensitivity, complete. Identifiers: Orphanet 754, Orphanet 99429, MedGen C0039585, MONDO:0019154, OMIM 300068. Disease mechanism: loss of function.
Kennedy disease (SMAX1). Also called: Spinal and Bulbar Muscular Atrophy; SPINAL AND BULBAR MUSCULAR ATROPHY, X-LINKED 1; KENNEDY SPINAL AND BULBAR MUSCULAR ATROPHY. Identifiers: Orphanet 481, MedGen C1839259, MONDO:0010735, OMIM 313200.

Submission:

Labcorp Genetics (formerly Invitae), Labcorp
Classification: Uncertain significance for Kennedy disease; Androgen resistance syndrome. Last evaluated: 2022-05-05. Review status: criteria provided, single submitter. Criteria: Invitae Variant Classification Sherloc (09022015). Collection method: clinical testing. Allele origin: germline.
Comment: In summary, the available evidence is currently insufficient to determine the role of this variant in disease. Therefore, it has been classified as a Variant of Uncertain Significance. This sequence change falls in intron 6 of the AR gene. It does not directly change the encoded amino acid sequence of the AR protein. It affects a nucleotide within the consensus splice site. This variant is not present in population databases (gnomAD no frequency). This variant has not been reported in the literature in individuals affected with AR-related conditions. Variants that disrupt the consensus splice site are a relatively common cause of aberrant splicing (PMID: 17576681, 9536098). Algorithms developed to predict the effect of sequence changes on RNA splicing suggest that this variant may disrupt the consensus splice site.

Literature cited by the submitters: PubMed 17576681; PubMed 9536098.

NM_000044.6(AR):c.2449+5G>A

Gene: AR (androgen receptor; plus strand). Cytogenetic location: Xq12.
Variant type: single nucleotide variant.
Coding change: c.2449+5G>A on transcript NM_000044.6 (MANE Select); 5 bases into the intron after coding-DNA position 2449, G replaced by A.
Molecular consequence: intron variant.
Genome position (GRCh38, 1-based): chrX:67,721,968, G>A. VCF-style: chrX-67721968-G-A. GRCh37 (hg19) VCF-style: chrX-66941810-G-A.
Other names: c.853+5G>A (NM_001011645.3).
Identifiers: ClinVar variation 2134452 (VCV002134452.4), dbSNP rs1602278831, ClinGen allele CA2580101280.